The following is an entry in ClinVar:

ClinVar aggregate classification (germline): Conflicting classifications of pathogenicity. Review status: criteria provided, conflicting classifications (1 of 4 stars). 3 submissions from 3 submitters: Uncertain significance (1); Likely benign (2). Last evaluated 2025-04-10.

Conditions:
GPC3-related disorder. Also called: GPC3-related condition.
Simpson-Golabi-Behmel syndrome type 1 (SGBS1). Also called: BULLDOG SYNDROME; DYSPLASIA GIGANTISM SYNDROME, X-LINKED; GPC3-Related Simpson-Golabi-Behmel Syndrome Type 1; SIMPSON DYSMORPHIA SYNDROME; GOLABI-ROSEN SYNDROME. Identifiers: Orphanet 373, MedGen C0796154, MONDO:0020602, OMIM 312870.
Wilms tumor 1 (WT1). Also called: Wilms tumor, somatic. Identifiers: Orphanet 654, MedGen CN033288, MONDO:0008679, OMIM 194070.

Allele frequency attached by ClinVar (database versions not stated): ExAC 0.00001; TOPMed 0.00003.

Submissions (3):

PreventionGenetics, part of Exact Sciences
Classification: Likely benign for GPC3-related condition. Last evaluated: 2025-04-10. Review status: criteria provided, single submitter. Criteria: ACMG Guidelines, 2015. Collection method: clinical testing. Allele origin: germline.
Comment: This variant is classified as likely benign based on ACMG/AMP sequence variant interpretation guidelines (Richards et al. 2015 PMID: 25741868, with internal and published modifications).

Fulgent Genetics
Classification: Uncertain significance for Wilms tumor 1; Simpson-Golabi-Behmel syndrome type 1. Last evaluated: 2024-05-13. Review status: criteria provided, single submitter. Criteria: ACMG Guidelines, 2015. Collection method: clinical testing. Allele origin: germline.

Labcorp Genetics (formerly Invitae), Labcorp
Classification: Likely benign for Wilms tumor 1. Last evaluated: 2023-07-09. Review status: criteria provided, single submitter. Criteria: Invitae Variant Classification Sherloc (09022015). Collection method: clinical testing. Allele origin: germline.

NM_004484.4(GPC3):c.849A>G (p.Gln283=)

Gene: GPC3 (glypican 3; minus strand). Cytogenetic location: Xq26.2.
Variant type: single nucleotide variant.
Coding change: c.849A>G on transcript NM_004484.4 (MANE Select); coding-DNA position 849, A replaced by G.
Protein change: p.Gln283=; no amino-acid change (glutamine 283 retained).
Molecular consequence: synonymous variant.
Genome position (GRCh38, 1-based): chrX:133,753,665, T>C on the plus strand (A>G on the coding strand, the complement: GPC3 is on the minus strand). VCF-style: chrX-133753665-T-C. GRCh37 (hg19) VCF-style: chrX-132887692-T-C.
Other names: c.849A>G, p.Gln283= (NM_001164617.2); c.801A>G, p.Gln267= (NM_001164618.2); c.687A>G, p.Gln229= (NM_001164619.2).
Identifiers: ClinVar variation 2739939 (VCV002739939.5), dbSNP rs764320060, ClinGen allele CA10520790.